The following is an entry in ClinVar:

NM_001286.5(CLCN6):c.829A>C (p.Thr277Pro)

Gene: CLCN6 (chloride voltage-gated channel 6; plus strand). Cytogenetic location: 1p36.22.
Variant type: single nucleotide variant.
Coding change: c.829A>C on transcript NM_001286.5 (MANE Select); coding-DNA position 829, A replaced by C.
Protein change: p.Thr277Pro; replaces threonine 277 with proline.
Molecular consequence: missense variant. On other transcripts: non-coding transcript variant (1).
Genome position (GRCh38, 1-based): chr1:11,827,210, A>C. VCF-style: chr1-11827210-A-C. GRCh37 (hg19) VCF-style: chr1-11887267-A-C.
Other names: c.763A>C, p.Thr255Pro (NM_001256959.2); short protein forms T255P, T277P.
Identifiers: ClinVar variation 4711229 (VCV004711229.1).

ClinVar aggregate classification (germline): Uncertain significance (1 of 4 stars; one submission).

Submission:

Labcorp Genetics (formerly Invitae), Labcorp
Classification: Uncertain significance. Last evaluated: 2025-02-17. Review status: criteria provided, single submitter. Criteria: Invitae Variant Classification Sherloc (09022015). Collection method: clinical testing. Allele origin: germline.
Comment: This sequence change replaces threonine, which is neutral and polar, with proline, which is neutral and non-polar, at codon 277 of the CLCN6 protein (p.Thr277Pro). This variant is not present in population databases (gnomAD no frequency). This variant has not been reported in the literature in individuals affected with CLCN6-related conditions. An algorithm developed to predict the effect of missense changes on protein structure and function (PolyPhen-2) suggests that this variant is likely to be disruptive. In summary, the available evidence is currently insufficient to determine the role of this variant in disease. Therefore, it has been classified as a Variant of Uncertain Significance.